The following is an entry in ClinVar:

NM_003900.5(SQSTM1):c.946T>C (p.Leu316=)

Gene: SQSTM1 (sequestosome 1; plus strand). Cytogenetic location: 5q35.3.
Variant type: single nucleotide variant.
Coding change: c.946T>C on transcript NM_003900.5 (MANE Select); coding-DNA position 946, T replaced by C.
Protein change: p.Leu316=; no amino-acid change (leucine 316 retained).
Molecular consequence: synonymous variant.
Genome position (GRCh38, 1-based): chr5:179,833,223, T>C. VCF-style: chr5-179833223-T-C. GRCh37 (hg19) VCF-style: chr5-179260223-T-C.
Other names: c.946T>C (NM_003900.4); c.694T>C, p.Leu232= (NM_001142298.2, NM_001142299.2).
Identifiers: ClinVar variation 1577669 (VCV001577669.11), dbSNP rs140315612, ClinGen allele CA3600737.

ClinVar aggregate classification (germline): Benign/Likely benign. Review status: criteria provided, multiple submitters, no conflicts (2 of 4 stars). 3 submissions from 3 submitters: Benign (1); Likely benign (1). 1 of the submissions does not count toward it. Last evaluated 2025-11-20.

Conditions:
Paget disease of bone 2, early-onset (PDB2). Also called: Paget disease of bone 2. Identifiers: MedGen C4085251, MONDO:0011183, OMIM 602080.
Frontotemporal dementia and/or amyotrophic lateral sclerosis 1 (FTDALS1). Also called: Frontotemporal dementia with motor neuron disease 1; C9orf72 Frontotemporal Dementia and/or Amyotrophic Lateral Sclerosis. Identifiers: Orphanet 275872, MedGen C5779877, MONDO:0007105, OMIM 105550.
SQSTM1-related disorder. Also called: SQSTM1-Related Disorders.

Allele frequency attached by ClinVar (database versions not stated): gnomAD exomes 0.00004 and 0.00009; ExAC 0.00013; ESP Exome Variant Server 0.00023; gnomAD 0.00027 and 0.00030; TOPMed 0.00027; 1000 Genomes Project 30x 0.00031; 1000 Genomes Project 0.00040.
gnomAD v4.1: 96 of 1,600,442 alleles (0.006%); highest among the groups gnomAD compares: African/African-American, 0.1%; no homozygotes.

Submissions (3):

Labcorp Genetics (formerly Invitae), Labcorp
Classification: Benign for Paget disease of bone 2, early-onset; Frontotemporal dementia and/or amyotrophic lateral sclerosis 1. Last evaluated: 2025-11-20. Review status: criteria provided, single submitter. Criteria: Invitae Variant Classification Sherloc (09022015). Collection method: clinical testing. Allele origin: germline.

Blueprint Genetics
Classification: Likely benign. Last evaluated: 2024-10-21. Review status: criteria provided, single submitter. Criteria: ACMG Guidelines, 2015. Collection method: clinical testing. Allele origin: germline.

PreventionGenetics, part of Exact Sciences
Classification: Likely benign for SQSTM1-related condition. Last evaluated: 2022-12-22. Review status: no assertion criteria provided. Collection method: clinical testing. Allele origin: germline. Not counted in ClinVar's aggregate classification.
Comment: This variant is classified as likely benign based on ACMG/AMP sequence variant interpretation guidelines (Richards et al. 2015 PMID: 25741868, with internal and published modifications).